The following is an entry in ClinVar:

ClinVar aggregate classification (germline): Conflicting classifications of pathogenicity. Review status: criteria provided, conflicting classifications (1 of 4 stars). 5 submissions from 5 submitters: Uncertain significance (4); Likely benign (1). Last evaluated 2025-05-16.

Conditions:
Hereditary breast ovarian cancer syndrome. Also called: BRCA1- and BRCA2-Associated Hereditary Breast and Ovarian Cancer; Hereditary breast and ovarian cancer; Breast and ovarian cancer; Hereditary breast and/or ovarian cancer syndrome; Hereditary breast and ovarian cancer syndrome; Hereditary breast and ovarian cancer syndrome (HBOC). Identifiers: Orphanet 145, MedGen C0677776, MeSH D061325, MONDO:0003582. Disease mechanism: loss of function.
Hereditary cancer-predisposing syndrome. Also called: Neoplastic Syndromes, Hereditary; Tumor predisposition; Hereditary Cancer Syndrome; Hereditary neoplastic syndrome. Identifiers: Orphanet 140162, MedGen C0027672, MeSH D009386, MONDO:0015356.
Familial prostate cancer. Also called: Hereditary Prostate Cancer. Identifiers: MedGen C2931456, MONDO:0700275, OMIM 176807.

Allele frequency attached by ClinVar (database versions not stated): TOPMed below 0.00001; ExAC 0.00001; gnomAD exomes 0.00001.
gnomAD v4.1: 4 of 1,613,740 alleles (0.00025%); highest among the groups gnomAD compares: African/African-American, 0.0013%; no homozygotes.

Submissions (5):

Ambry Genetics
Classification: Likely benign for Hereditary cancer-predisposing syndrome. Last evaluated: 2025-05-16. Review status: criteria provided, single submitter. Criteria: Ambry Variant Classification Scheme 2023. Collection method: clinical testing. Allele origin: germline.

Labcorp Genetics (formerly Invitae), Labcorp
Classification: Uncertain significance for Hereditary breast ovarian cancer syndrome. Last evaluated: 2025-04-09. Review status: criteria provided, single submitter. Criteria: Invitae Variant Classification Sherloc (09022015). Collection method: clinical testing. Allele origin: germline.
Comment: This sequence change replaces alanine, which is neutral and non-polar, with threonine, which is neutral and polar, at codon 3102 of the BRCA2 protein (p.Ala3102Thr). This variant is present in population databases (rs747073940, gnomAD 0.007%). This variant has not been reported in the literature in individuals affected with BRCA2-related conditions. ClinVar contains an entry for this variant (Variation ID: 462522). Invitae Evidence Modeling of protein sequence and biophysical properties (such as structural, functional, and spatial information, amino acid conservation, physicochemical variation, residue mobility, and thermodynamic stability) indicates that this missense variant is not expected to disrupt BRCA2 protein function with a negative predictive value of 95%. In summary, the available evidence is currently insufficient to determine the role of this variant in disease. Therefore, it has been classified as a Variant of Uncertain Significance.

Department of Pathology and Laboratory Medicine, Sinai Health System
Classification: Uncertain significance for Familial prostate cancer. Last evaluated: 2022-10-14. Review status: criteria provided, single submitter. Criteria: ACMG Guidelines, 2015. Collection method: clinical testing. Allele origin: germline. Affected: yes.

Color Diagnostics, LLC DBA Color Health
Classification: Uncertain significance for Hereditary cancer-predisposing syndrome. Last evaluated: 2019-05-11. Review status: criteria provided, single submitter. Criteria: ACMG Guidelines, 2015. Collection method: clinical testing. Allele origin: germline.

Mendelics
Classification: Uncertain significance for Hereditary breast and ovarian cancer syndrome. Last evaluated: 2018-07-02. Review status: criteria provided, single submitter. Criteria: Mendelics Assertion Criteria 2017. Collection method: clinical testing. Allele origin: unknown.

NM_000059.4(BRCA2):c.9304G>A (p.Ala3102Thr)

Gene: BRCA2 (BRCA2 DNA repair associated; plus strand). Cytogenetic location: 13q13.1.
Variant type: single nucleotide variant.
Coding change: c.9304G>A on transcript NM_000059.4 (MANE Select); coding-DNA position 9304, G replaced by A.
Protein change: p.Ala3102Thr; replaces alanine 3102 with threonine.
Molecular consequence: missense variant.
Genome position (GRCh38, 1-based): chr13:32,394,736, G>A. VCF-style: chr13-32394736-G-A. GRCh37 (hg19) VCF-style: chr13-32968873-G-A.
Other names: short protein forms A3102T.
Identifiers: ClinVar variation 462522 (VCV000462522.15), dbSNP rs747073940, ClinGen allele CA6941375.
Genomic context (GRCh38, chr13:32,394,736, plus strand): 5'-TTTTCCATTCTAGGACTTGCCCCTTTCGTCTATTTGTCAGACGAATGTTACAATTTACTG[G>A]CAATAAAGTTTTGGATAGACCTTAATGAGGACATTATTAAGCCTCATATGTTAATTGCTG-3'
Protein context (NP_000050.3, residues 3092-3112): YLSDECYNLL[Ala3102Thr]IKFWIDLNED